The following is an entry in ClinVar:

NM_000891.3(KCNJ2):c.913A>C (p.Thr305Pro)

Gene: KCNJ2 (potassium inwardly rectifying channel subfamily J member 2; plus strand). Cytogenetic location: 17q24.3.
Variant type: single nucleotide variant.
Coding change: c.913A>C on transcript NM_000891.3 (MANE Select); coding-DNA position 913, A replaced by C.
Protein change: p.Thr305Pro; replaces threonine 305 with proline.
Molecular consequence: missense variant.
Genome position (GRCh38, 1-based): chr17:70,175,952, A>C. VCF-style: chr17-70175952-A-C. GRCh37 (hg19) VCF-style: chr17-68172093-A-C.
Other names: c.913A>C (LRG_328t1); short protein forms T305P.
Identifiers: ClinVar variation 30120 (VCV000030120.1), dbSNP rs199473387, ClinGen allele CA259745.

ClinVar aggregate classification (germline): Pathogenic. Review status: no assertion criteria provided (0 of 4 stars). 2 submissions from 2 submitters: Pathogenic (1). 1 of the submissions does not count toward it. Last evaluated 2007-04-15.

Conditions:
Familial long QT syndrome (RWS). Also called: Romano-Ward syndrome; VENTRICULAR FIBRILLATION WITH PROLONGED QT INTERVAL; Congenital long QT syndrome. Identifiers: Orphanet 768, MedGen C1141890, MONDO:0019171.
Andersen Tawil syndrome (LQT7). Also called: Potassium-sensitive periodic paralysis, ventricular ectopy, and dysmorphic features; Andersen Syndrome; ANDERSEN CARDIODYSRHYTHMIC PERIODIC PARALYSIS; PERIODIC PARALYSIS, POTASSIUM-SENSITIVE CARDIODYSRHYTHMIC TYPE; LONG QT SYNDROME 7. Identifiers: Orphanet 37553, MedGen C1563715, MONDO:0008222, OMIM 170390.

Submissions (2):

OMIM
Classification: Pathogenic for ANDERSEN CARDIODYSRHYTHMIC PERIODIC PARALYSIS. Last evaluated: 2007-04-15. Review status: no assertion criteria provided. Collection method: literature only. Allele origin: germline.

Cardiovascular Biomedical Research Unit, Royal Brompton & Harefield NHS Foundation Trust
No classification provided. Condition: Familial long QT syndrome. Review status: no classification provided. Collection method: literature only. Allele origin: germline. Not counted in ClinVar's aggregate classification.
Comment: This variant has been reported in the following publications (PMID:17324964).

Literature cited by the submitters: PubMed 17324964 (cited by OMIM and Cardiovascular Biomedical Research Unit, Royal Brompton & Harefield NHS Foundation Trust); PubMed 22581653 (cited by Cardiovascular Biomedical Research Unit, Royal Brompton & Harefield NHS Foundation Trust).